The following is an entry in ClinVar:

NM_024407.5(NDUFS7):c.224G>A (p.Arg75His)

Gene: NDUFS7 (NADH:ubiquinone oxidoreductase core subunit S7; plus strand). Cytogenetic location: 19p13.3.
Variant type: single nucleotide variant.
Coding change: c.224G>A on transcript NM_024407.5 (MANE Select); coding-DNA position 224, G replaced by A.
Protein change: p.Arg75His; replaces arginine 75 with histidine.
Molecular consequence: missense variant.
Genome position (GRCh38, 1-based): chr19:1,388,934, G>A. VCF-style: chr19-1388934-G-A. GRCh37 (hg19) VCF-style: chr19-1388933-G-A.
Other names: c.224G>A, p.Arg75His (NM_001363602.2); c.224G>A (NM_024407.4); short protein forms R75H.
Identifiers: ClinVar variation 2071841 (VCV002071841.2), dbSNP rs1175269673, ClinGen allele CA402984094.

ClinVar aggregate classification (germline): Uncertain significance. Review status: criteria provided, multiple submitters, no conflicts (2 of 4 stars). 2 submissions from 2 submitters: Uncertain significance (2). Last evaluated 2024-12-14.

Conditions:
Inborn genetic diseases. Identifiers: MedGen C0950123, MeSH D030342.

Allele frequency attached by ClinVar (database versions not stated): TOPMed below 0.00001; gnomAD 0.00001.

Submissions (2):

Ambry Genetics
Classification: Uncertain significance for Inborn genetic diseases. Last evaluated: 2024-12-14. Review status: criteria provided, single submitter. Criteria: Ambry Variant Classification Scheme 2023. Collection method: clinical testing. Allele origin: germline.

Labcorp Genetics (formerly Invitae), Labcorp
Classification: Uncertain significance. Last evaluated: 2022-07-20. Review status: criteria provided, single submitter. Criteria: Invitae Variant Classification Sherloc (09022015). Collection method: clinical testing. Allele origin: germline.
Comment: This sequence change replaces arginine, which is basic and polar, with histidine, which is basic and polar, at codon 75 of the NDUFS7 protein (p.Arg75His). The frequency data for this variant in the population databases is considered unreliable, as metrics indicate poor data quality at this position in the gnomAD database. This variant has not been reported in the literature in individuals affected with NDUFS7-related conditions. Algorithms developed to predict the effect of missense changes on protein structure and function are either unavailable or do not agree on the potential impact of this missense change (SIFT: "Deleterious"; PolyPhen-2: "Possibly Damaging"; Align-GVGD: "Class C0"). In summary, the available evidence is currently insufficient to determine the role of this variant in disease. Therefore, it has been classified as a Variant of Uncertain Significance.